The following is an entry in ClinVar:

NM_003098.3(SNTA1):c.117G>A (p.Val39=)

Genes: SNTA1 (syntrophin alpha 1; minus strand), LOC130065680 (ATAC-STARR-seq lymphoblastoid silent region 12812; plus strand). Cytogenetic location: 20q11.21.
Variant type: single nucleotide variant.
Coding change: c.117G>A on transcript NM_003098.3 (MANE Select); coding-DNA position 117, G replaced by A.
Protein change: p.Val39=; no amino-acid change (valine 39 retained).
Molecular consequence: synonymous variant.
Genome position (GRCh38, 1-based): chr20:33,443,504, C>T on the plus strand (G>A on the coding strand, the complement: SNTA1 is on the minus strand). VCF-style: chr20-33443504-C-T. GRCh37 (hg19) VCF-style: chr20-32031310-C-T.
Identifiers: ClinVar variation 379036 (VCV000379036.1), dbSNP rs1057520474, ClinGen allele CA16608435.

ClinVar aggregate classification (germline): Likely benign (1 of 4 stars; one submission).

Allele frequency attached by ClinVar (database versions not stated): TOPMed below 0.00001 and 0.00001; gnomAD exomes 0.00001.
gnomAD v4.1: 2 of 1,379,802 alleles (0.00014%); highest among the groups gnomAD compares: Non-Finnish European, 0.00019%; no homozygotes.

Submission:

GeneDx
Classification: Likely benign. Last evaluated: 2016-01-28. Review status: criteria provided, single submitter. Criteria: GeneDx Variant Classification (06012015). Collection method: clinical testing. Allele origin: germline. Affected: yes.
Comment: This variant is considered likely benign or benign based on one or more of the following criteria: it is a conservative change, it occurs at a poorly conserved position in the protein, it is predicted to be benign by multiple in silico algorithms, and/or has population frequency not consistent with disease.